The following is an entry in ClinVar:

ClinVar aggregate classification (germline): Likely pathogenic (1 of 4 stars; one submission).

Conditions:
Ataxia-telangiectasia syndrome (AT). Also called: LOUIS-BAR SYNDROME; Cerebello-oculocutaneous telangiectasia; Immunodeficiency with ataxia telangiectasia; AT, COMPLEMENTATION GROUP C; Ataxia-telangiectasia, complementation group D; ATAXIA-TELANGIECTASIA, COMPLEMENTATION GROUP A. Identifiers: Orphanet 100, MedGen C0004135, MONDO:0008840, OMIM 208900.

Submission:

Labcorp Genetics (formerly Invitae), Labcorp
Classification: Likely pathogenic for Ataxia-telangiectasia syndrome. Last evaluated: 2023-05-12. Review status: criteria provided, single submitter. Criteria: Invitae Variant Classification Sherloc (09022015). Collection method: clinical testing. Allele origin: unknown.
Comment: In summary, the currently available evidence indicates that the variant is pathogenic, but additional data are needed to prove that conclusively. Therefore, this variant has been classified as Likely Pathogenic. This variant disrupts a region of the ATM protein in which other variant(s) (p.Leu1715Pro) have been observed in individuals with ATM-related conditions (PMID: 26896183, 30819809). This suggests that this is a clinically significant region of the protein, and that variants that disrupt it are likely to be disease-causing. This variant is also known as deletion of exons 32-36. A similar copy number variant has been observed in individual(s) with ataxia-telangiectasia (PMID: 16941484). In at least one individual the data is consistent with being in trans (on the opposite chromosome) from a pathogenic variant. This variant is a gross deletion of the genomic region encompassing exon(s) 30-34 of the ATM gene. This variant would be expected to be in-frame, preserving the integrity of the reading frame.

Literature cited by the submitters: PubMed 26896183; PubMed 30819809; PubMed 16941484.

NC_000011.9:g.(?_108163326)_(108170632_?)del

Gene: ATM (ATM serine/threonine kinase; plus strand). Cytogenetic location: 11q22.3.
Variant type: Deletion.
Identifiers: ClinVar variation 3244478 (VCV003244478.1).